The following is an entry in ClinVar:

ClinVar aggregate classification (germline): Pathogenic (1 of 4 stars; one submission).

Conditions:
Waardenburg syndrome type 4C (WS4C). Also called: WAARDENBURG SYNDROME WITH HIRSCHSPRUNG DISEASE, TYPE 4C. Identifiers: Orphanet 897, MedGen C2750452, MONDO:0013202, OMIM 613266.

Submission:

Institute of Rare Diseases, West China Hospital, Sichuan University
Classification: Pathogenic for Waardenburg syndrome type 4C. Last evaluated: 2025-01-09. Review status: criteria provided, single submitter. Criteria: ClinGen HL ACMG Specifications v1. Collection method: research. Allele origin: germline. Affected: yes.
Comment: PVS1;PS2;PP4;PM2_Supporting

NM_006941.4(SOX10):c.55G>T (p.Glu19Ter)

Genes: POLR2F (RNA polymerase II, I and III subunit F; plus strand), SOX10 (SRY-box transcription factor 10; minus strand). Cytogenetic location: 22q13.1.
Variant type: single nucleotide variant.
Coding change: c.55G>T on transcript NM_006941.4 (MANE Select); coding-DNA position 55, G replaced by T.
Protein change: p.Glu19Ter; replaces glutamic acid 19 with a stop codon.
Molecular consequence: nonsense. On other transcripts: intron variant (3).
Genome position (GRCh38, 1-based): chr22:37,983,730, C>A on the plus strand (G>T on the coding strand, the complement: SOX10 is on the minus strand). VCF-style: chr22-37983730-C-A. GRCh37 (hg19) VCF-style: chr22-38379737-C-A.
Other names: c.*38+11420C>A (NM_001363825.1); c.294-2424C>A (NM_001301130.2); c.293+16560C>A (NM_001301131.2); short protein forms E19*.
Identifiers: ClinVar variation 3601846 (VCV003601846.1).